The following is an entry in ClinVar:

NM_001035.3(RYR2):c.8482A>C (p.Met2828Leu)

Gene: RYR2 (ryanodine receptor 2; plus strand). Cytogenetic location: 1q43.
Variant type: single nucleotide variant.
Coding change: c.8482A>C on transcript NM_001035.3 (MANE Select); coding-DNA position 8482, A replaced by C.
Protein change: p.Met2828Leu; replaces methionine 2828 with leucine.
Molecular consequence: missense variant.
Genome position (GRCh38, 1-based): chr1:237,666,557, A>C. VCF-style: chr1-237666557-A-C. GRCh37 (hg19) VCF-style: chr1-237829857-A-C.
Other names: short protein forms M2828L.
Identifiers: ClinVar variation 1015735 (VCV001015735.10), dbSNP rs948094250, ClinGen allele CA39813102.

ClinVar aggregate classification (germline): Uncertain significance. Review status: criteria provided, multiple submitters, no conflicts (2 of 4 stars). 2 submissions from 2 submitters: Uncertain significance (2). Last evaluated 2023-11-02.

Conditions:
Cardiomyopathy (CMYO). Also called: Cardiomyopathies. Identifiers: Orphanet 167848, MedGen C0878544, MONDO:0004994, HP:0001638. Inheritance: Various modes of inheritance.
Catecholaminergic polymorphic ventricular tachycardia 1. Also called: VENTRICULAR TACHYCARDIA, STRESS-INDUCED POLYMORPHIC 1; VENTRICULAR TACHYCARDIA, CATECHOLAMINERGIC POLYMORPHIC, 1, WITH OR WITHOUT ATRIAL DYSFUNCTION AND/OR DILATED CARDIOMYOPATHY; RYR2-Related Catecholaminergic Polymorphic Ventricular Tachycardia. Identifiers: Orphanet 3286, MedGen C1631597, MONDO:0011484, OMIM 604772.

Allele frequency attached by ClinVar (database versions not stated): gnomAD 0.00001; TOPMed 0.00002.
gnomAD v4.1: 5 of 1,612,786 alleles (0.00031%); highest among the groups gnomAD compares: African/African-American, 0.0013%; no homozygotes.

Submissions (2):

Color Diagnostics, LLC DBA Color Health
Classification: Uncertain significance for Cardiomyopathy. Last evaluated: 2023-11-02. Review status: criteria provided, single submitter. Criteria: ACMG Guidelines, 2015. Collection method: clinical testing. Allele origin: germline.
Comment: This missense variant replaces methionine with leucine at codon 2828 of the RYR2 protein. Computational prediction suggests that this variant may not impact protein structure and function. To our knowledge, functional studies have not been reported for this variant. This variant has not been reported in individuals affected with RYR2-related disorders in the literature. This variant has been identified in 1/31402 chromosomes in the general population by the Genome Aggregation Database (gnomAD). The available evidence is insufficient to determine the role of this variant in disease conclusively. Therefore, this variant is classified as a Variant of Uncertain Significance.

Labcorp Genetics (formerly Invitae), Labcorp
Classification: Uncertain significance for Catecholaminergic polymorphic ventricular tachycardia 1. Last evaluated: 2020-02-22. Review status: criteria provided, single submitter. Criteria: Invitae Variant Classification Sherloc (09022015). Collection method: clinical testing. Allele origin: germline.
Comment: This sequence change replaces methionine with leucine at codon 2828 of the RYR2 protein (p.Met2828Leu). The methionine residue is highly conserved and there is a small physicochemical difference between methionine and leucine. This variant is not present in population databases (ExAC no frequency). In summary, the available evidence is currently insufficient to determine the role of this variant in disease. Therefore, it has been classified as a Variant of Uncertain Significance. This variant has not been reported in the literature in individuals with RYR2-related conditions. Algorithms developed to predict the effect of missense changes on protein structure and function are either unavailable or do not agree on the potential impact of this missense change (SIFT: "Deleterious"; PolyPhen-2: "Benign"; Align-GVGD: "Class C0").